The following is an entry in ClinVar:

ClinVar aggregate classification (germline): Uncertain significance. Review status: criteria provided, multiple submitters, no conflicts (2 of 4 stars). 3 submissions from 3 submitters: Uncertain significance (3). Last evaluated 2023-05-02.

Conditions:
Cone-rod dystrophy 15 (CORD15). Identifiers: MedGen C3150912, MONDO:0013348, OMIM 613660.

Allele frequency attached by ClinVar (database versions not stated): gnomAD exomes below 0.00001 and 0.00001; gnomAD 0.00001.
gnomAD v4.1: 3 of 1,608,370 alleles (0.00019%); highest among the groups gnomAD compares: Non-Finnish European, 0.00017%; no homozygotes.

Submissions (3):

Broad Center for Mendelian Genomics, Broad Institute of MIT and Harvard
Classification: Uncertain significance for Cone-rod dystrophy 15. Last evaluated: 2023-05-02. Review status: criteria provided, single submitter. Criteria: ACMG Guidelines, 2015. Collection method: curation. Allele origin: germline. Inheritance: Autosomal recessive inheritance.
Comment: The c.862+4A>C variant in CDHR1 has not been previously reported in individuals with cone-rod dystrophy 15 but has been identified in 0.002% (2/113742) of European (non-Finnish) chromosomes by the Genome Aggregation Database (gnomAD; dbSNP ID: rs1352559639). Although this variant has been seen in the general population in a heterozygous state, its frequency is low enough to be consistent with a recessive carrier frequency. This variant has also been reported in ClinVar (Variation ID: 802595) and has been interpreted as a variant of uncertain significance by Mendelics. This variant is located in the 5' splice region. Computational tools do suggest an impact to splicing. However, this information is not predictive enough to determine pathogenicity. In summary, the clinical significance of the c.862+4A>C variant is uncertain. ACMG/AMP Criteria applied: PM2_Supporting, PM3_Supporting, PP3 (Richards 2015).

Labcorp Genetics (formerly Invitae), Labcorp
Classification: Uncertain significance. Last evaluated: 2022-07-14. Review status: criteria provided, single submitter. Criteria: Invitae Variant Classification Sherloc (09022015). Collection method: clinical testing. Allele origin: germline.
Comment: This sequence change falls in intron 9 of the CDHR1 gene. It does not directly change the encoded amino acid sequence of the CDHR1 protein. It affects a nucleotide within the consensus splice site. This variant is present in population databases (no rsID available, gnomAD 0.002%). In summary, the available evidence is currently insufficient to determine the role of this variant in disease. Therefore, it has been classified as a Variant of Uncertain Significance. Variants that disrupt the consensus splice site are a relatively common cause of aberrant splicing (PMID: 17576681, 9536098). Algorithms developed to predict the effect of sequence changes on RNA splicing suggest that this variant may disrupt the consensus splice site. ClinVar contains an entry for this variant (Variation ID: 802595). This variant has not been reported in the literature in individuals affected with CDHR1-related conditions.

Mendelics
Classification: Uncertain significance for Cone-rod dystrophy 15. Last evaluated: 2019-05-28. Review status: criteria provided, single submitter. Criteria: Mendelics Assertion Criteria 2017. Collection method: clinical testing. Allele origin: unknown.

Literature cited by the submitters: PubMed 17576681 (cited by Labcorp Genetics (formerly Invitae), Labcorp); PubMed 9536098 (cited by Labcorp Genetics (formerly Invitae), Labcorp).

NM_033100.4(CDHR1):c.862+4A>C

Gene: CDHR1 (cadherin related family member 1; plus strand). Cytogenetic location: 10q23.1.
Variant type: single nucleotide variant.
Coding change: c.862+4A>C on transcript NM_033100.4 (MANE Select); 4 bases into the intron after coding-DNA position 862, A replaced by C.
Molecular consequence: intron variant.
Genome position (GRCh38, 1-based): chr10:84,204,609, A>C. VCF-style: chr10-84204609-A-C. GRCh37 (hg19) VCF-style: chr10-85964365-A-C.
Other names: c.862+4A>C (NM_001171971.3).
Identifiers: ClinVar variation 802595 (VCV000802595.6), dbSNP rs1352559639, ClinGen allele CA594736381.